The following is an entry in ClinVar:

ClinVar aggregate classification (germline): Uncertain significance (1 of 4 stars; one submission).

Submission:

Mayo Clinic Laboratories, Mayo Clinic
Classification: Uncertain significance. Last evaluated: 2023-04-25. Review status: criteria provided, single submitter. Criteria: ACMG Guidelines, 2015. Collection method: clinical testing. Allele origin: germline. Observed: 1 variant allele.
Comment: PM2

NM_152795.4(HIF3A):c.679C>A (p.Pro227Thr)

Gene: HIF3A (hypoxia inducible factor 3 subunit alpha; plus strand). Cytogenetic location: 19q13.32.
Variant type: single nucleotide variant.
Coding change: c.679C>A on transcript NM_152795.4 (MANE Select); coding-DNA position 679, C replaced by A.
Protein change: p.Pro227Thr; replaces proline 227 with threonine.
Molecular consequence: missense variant.
Genome position (GRCh38, 1-based): chr19:46,309,268, C>A. VCF-style: chr19-46309268-C-A. GRCh37 (hg19) VCF-style: chr19-46812525-C-A.
Other names: p.Pro227Thr; c.472C>A, p.Pro158Thr (NM_022462.4, NM_152796.2); c.673C>A, p.Pro225Thr (NM_152794.4); short protein forms P158T, P225T, P227T.
Identifiers: ClinVar variation 2683509 (VCV002683509.1), dbSNP rs2513706373, ClinGen allele CA406463707.
Genomic context (GRCh38, chr19:46,309,268, plus strand): 5'-GCTGGGAGCCCTGACTCAGAGCCCCCGCTGCAGTGCCTGGTGCTCATCTGCGAAGCCATC[C>A]CCCACCCAGGCAGCCTGGAGCCCCCACTGGGCCGAGGGGCCTTCCTCAGCCGCCACAGCC-3'
Protein context (NP_690008.2, residues 217-237): QCLVLICEAI[Pro227Thr]HPGSLEPPLG